The following is an entry in ClinVar:

ClinVar aggregate classification (germline): Uncertain significance (1 of 4 stars; one submission).

Conditions:
Charcot-Marie-Tooth disease type 2. Also called: Charcot-Marie-Tooth type 2. Identifiers: Orphanet 64746, MedGen C0270914, MONDO:0018993.

Allele frequency attached by ClinVar (database versions not stated): gnomAD exomes below 0.00001; ExAC 0.00001.

Submission:

Labcorp Genetics (formerly Invitae), Labcorp
Classification: Uncertain significance for Charcot-Marie-Tooth disease type 2. Last evaluated: 2019-03-13. Review status: criteria provided, single submitter. Criteria: Invitae Variant Classification Sherloc (09022015). Collection method: clinical testing. Allele origin: germline.
Comment: Algorithms developed to predict the effect of missense changes on protein structure and function are either unavailable or do not agree on the potential impact of this missense change (SIFT: "Deleterious"; PolyPhen-2: "Benign"; Align-GVGD: "Class C0"). In summary, the available evidence is currently insufficient to determine the role of this variant in disease. Therefore, it has been classified as a Variant of Uncertain Significance. This variant has not been reported in the literature in individuals with LMNA-related conditions. This sequence change replaces threonine with isoleucine at codon 643 of the LMNA protein (p.Thr643Ile). The threonine residue is highly conserved and there is a moderate physicochemical difference between threonine and isoleucine. This variant is present in population databases (rs777900936, ExAC 0.01%).

NM_170707.4(LMNA):c.1928C>T (p.Thr643Ile)

Gene: LMNA (lamin A/C; plus strand). Cytogenetic location: 1q22.
Variant type: single nucleotide variant.
Coding change: c.1928C>T on transcript NM_170707.4 (MANE Select); coding-DNA position 1928, C replaced by T.
Protein change: p.Thr643Ile; replaces threonine 643 with isoleucine.
Molecular consequence: missense variant. On other transcripts: intron variant (1).
Genome position (GRCh38, 1-based): chr1:156,138,717, C>T. VCF-style: chr1-156138717-C-T. GRCh37 (hg19) VCF-style: chr1-156108508-C-T.
Other names: c.1592C>T, p.Thr531Ile (NM_001257374.3); c.1838C>T, p.Thr613Ile (NM_170708.4); c.1818+110C>T (NM_001282626.2); short protein forms T613I, T531I, T643I.
Identifiers: ClinVar variation 848751 (VCV000848751.9), dbSNP rs777900936, ClinGen allele CA051693.
Genomic context (GRCh38, chr1:156,138,717, plus strand): 5'-CTCGCAGCTACCGCAGTGTGGGGGGCAGTGGGGGTGGCAGCTTCGGGGACAATCTGGTCA[C>T]CCGCTCCTACCTCCTGGGCAACTCCAGCCCCCGAACCCAGGTGAGTTGTCTCTGCTTTGT-3'
Protein context (NP_733821.1, residues 633-653): GGGSFGDNLV[Thr643Ile]RSYLLGNSSP